The following is an entry in ClinVar:

NM_002693.3(POLG):c.3616A>G (p.Met1206Val)

Gene: POLG (DNA polymerase gamma, catalytic subunit; minus strand). Cytogenetic location: 15q26.1.
Variant type: single nucleotide variant.
Coding change: c.3616A>G on transcript NM_002693.3 (MANE Select); coding-DNA position 3616, A replaced by G.
Protein change: p.Met1206Val; replaces methionine 1206 with valine.
Molecular consequence: missense variant.
Genome position (GRCh38, 1-based): chr15:89,317,403, T>C on the plus strand (A>G on the coding strand, the complement: POLG is on the minus strand). VCF-style: chr15-89317403-T-C. GRCh37 (hg19) VCF-style: chr15-89860634-T-C.
Other names: c.3616A>G, p.Met1206Val (NM_001126131.2); short protein forms M1206V.
Identifiers: ClinVar variation 1999582 (VCV001999582.4), dbSNP rs2509182521, ClinGen allele CA393747294.
Genomic context (GRCh38, chr15:89,317,403, plus strand): 5'-ATGTGTAATGAGGAACAAATGTGTTGTGCTCACCCTGGGGAATCCCGTATCTCCTTTCCA[T>C]CCCAGTTGGGTTGGAAGGGGTTTTACAATCCATGGTCACTTCCTTCCTGAGGCACCGGTC-3'
Protein context (NP_002684.1, residues 1196-1216): DCKTPSNPTG[Met1206Val]ERRYGIPQGE

ClinVar aggregate classification (germline): Uncertain significance (1 of 4 stars; one submission).

Conditions:
Progressive sclerosing poliodystrophy (MTDPS4A). Also called: Mitochondrial DNA Depletion Syndrome 4A; ALPERS PROGRESSIVE INFANTILE POLIODYSTROPHY; NEURONAL DEGENERATION OF CHILDHOOD WITH LIVER DISEASE, PROGRESSIVE; Mitochondrial DNA depletion syndrome 4A (Alpers type); Alpers Syndrome; ALPERS DIFFUSE DEGENERATION OF CEREBRAL GRAY MATTER WITH HEPATIC CIRRHOSIS. Identifiers: Orphanet 726, MedGen C0205710, MONDO:0008758, OMIM 203700.

Submission:

Labcorp Genetics (formerly Invitae), Labcorp
Classification: Uncertain significance for Progressive sclerosing poliodystrophy. Last evaluated: 2024-10-17. Review status: criteria provided, single submitter. Criteria: Invitae Variant Classification Sherloc (09022015). Collection method: clinical testing. Allele origin: germline.
Comment: This sequence change replaces methionine, which is neutral and non-polar, with valine, which is neutral and non-polar, at codon 1206 of the POLG protein (p.Met1206Val). This variant is not present in population databases (gnomAD no frequency). This variant has not been reported in the literature in individuals affected with POLG-related conditions. ClinVar contains an entry for this variant (Variation ID: 1999582). Invitae Evidence Modeling of protein sequence and biophysical properties (such as structural, functional, and spatial information, amino acid conservation, physicochemical variation, residue mobility, and thermodynamic stability) indicates that this missense variant is not expected to disrupt POLG protein function with a negative predictive value of 95%. In summary, the available evidence is currently insufficient to determine the role of this variant in disease. Therefore, it has been classified as a Variant of Uncertain Significance.